The following is an entry in ClinVar:

NM_138295.5(PKD1L1):c.7809T>G (p.Leu2603=)

Genes: PKD1L1 (polycystin 1 like 1, transient receptor potential channel interacting; minus strand), PKD1L1-AS1 (PKD1L1 antisense RNA 1; plus strand). Cytogenetic location: 7p12.3.
Variant type: single nucleotide variant.
Coding change: c.7809T>G on transcript NM_138295.5 (MANE Select); coding-DNA position 7809, T replaced by G.
Protein change: p.Leu2603=; no amino-acid change (leucine 2603 retained).
Molecular consequence: synonymous variant.
Genome position (GRCh38, 1-based): chr7:47,808,265, A>C on the plus strand (T>G on the coding strand, the complement: PKD1L1 is on the minus strand). VCF-style: chr7-47808265-A-C. GRCh37 (hg19) VCF-style: chr7-47847863-A-C.
Identifiers: ClinVar variation 2657456 (VCV002657456.24), dbSNP rs2483856742, ClinGen allele CA454912729.

ClinVar aggregate classification (germline): Likely benign (1 of 4 stars; one submission).

gnomAD v4.1: 1 of 1,614,136 alleles (0.000062%); highest among the groups gnomAD compares: South Asian, 0.0011%; no homozygotes.

Submission:

CeGaT Center for Human Genetics Tuebingen
Classification: Likely benign. Last evaluated: 2022-07-01. Review status: criteria provided, single submitter. Criteria: CeGaT Center For Human Genetics Tuebingen Variant Classification Criteria Version 2. Collection method: clinical testing. Allele origin: germline. Affected: yes. Observed: 1 variant allele.
Comment: PKD1L1: PM2:Supporting, BP4, BP7